The following is an entry in ClinVar:

ClinVar aggregate classification (germline): Benign/Likely benign. Review status: criteria provided, multiple submitters, no conflicts (2 of 4 stars). 5 submissions from 5 submitters: Benign (1); Likely benign (4). Last evaluated 2025-11-08.

Conditions:
Spinocerebellar ataxia type 14 (SCA14). Identifiers: Orphanet 98763, MedGen C1854369, MONDO:0011540, OMIM 605361.

Allele frequency attached by ClinVar (database versions not stated): ESP Exome Variant Server 0.00008; gnomAD 0.00024 and 0.00025; TOPMed 0.00026; ExAC 0.00049.
gnomAD v4.1: 320 of 1,562,154 alleles (0.02%); highest among the groups gnomAD compares: Middle Eastern, 0.29%; 2 homozygotes.

Submissions (5):

Mayo Clinic Laboratories, Mayo Clinic
Classification: Likely benign. Last evaluated: 2025-11-08. Review status: criteria provided, single submitter. Criteria: ACMG Guidelines, 2015. Collection method: clinical testing. Allele origin: germline. Observed: 2 variant alleles.
Comment: BA1, BP4, BP7

Blueprint Genetics
Classification: Likely benign. Last evaluated: 2024-07-15. Review status: criteria provided, single submitter. Criteria: ACMG Guidelines, 2015. Collection method: clinical testing. Allele origin: germline.

Illumina Laboratory Services, Illumina
Classification: Likely benign for Spinocerebellar ataxia type 14. Last evaluated: 2018-01-13. Review status: criteria provided, single submitter. Criteria: ICSL Variant Classification Criteria 13 December 2019. Collection method: clinical testing. Allele origin: germline.
Comment: This variant was observed in the ICSL laboratory as part of a predisposition screen in an ostensibly healthy population. It had not been previously curated by ICSL or reported in the Human Gene Mutation Database (HGMD: prior to June 1st, 2018), and was therefore a candidate for classification through an automated scoring system. Utilizing variant allele frequency, disease prevalence and penetrance estimates, and inheritance mode, an automated score was calculated to assess if this variant is too frequent to cause the disease. Based on the score and internal cut-off values, a variant classified as likely benign is not then subjected to further curation. The score for this variant resulted in a classification of likely benign for this disease.

Athena Diagnostics
Classification: Benign. Last evaluated: 2017-04-28. Review status: criteria provided, single submitter. Criteria: Athena Diagnostics Criteria. Collection method: clinical testing. Allele origin: germline.

Breakthrough Genomics
Classification: Likely benign. Review status: criteria provided, single submitter. Criteria: ACMG Guidelines, 2015. Collection method: not provided. Allele origin: germline. Inheritance: Autosomal dominant inheritance. Affected: yes.

NM_002739.5(PRKCG):c.1281+9G>C

Gene: PRKCG (protein kinase C gamma; plus strand). Cytogenetic location: 19q13.42.
Variant type: single nucleotide variant.
Coding change: c.1281+9G>C on transcript NM_002739.5 (MANE Select); 9 bases into the intron after coding-DNA position 1281, G replaced by C.
Molecular consequence: intron variant.
Genome position (GRCh38, 1-based): chr19:53,898,637, G>C. VCF-style: chr19-53898637-G-C. GRCh37 (hg19) VCF-style: chr19-54401891-G-C.
Other names: p.?; c.1281+9G>C (LRG_669t1, NM_001316329.2).
Identifiers: ClinVar variation 448126 (VCV000448126.8), dbSNP rs370400523, ClinGen allele CA9640541.